The following is an entry in ClinVar:

ClinVar aggregate classification (germline): Conflicting classifications of pathogenicity. Review status: criteria provided, conflicting classifications (1 of 4 stars). 2 submissions from 2 submitters: Uncertain significance (1); Likely benign (1). Last evaluated 2026-08-01.

Conditions:
Skin creases, congenital symmetric circumferential, 2 (CSCSC2). Identifiers: MedGen C4225225, MONDO:0014755, OMIM 616734.

Submissions (2):

CeGaT Center for Human Genetics Tuebingen
Classification: Likely benign. Last evaluated: 2026-08-01. Review status: criteria provided, single submitter. Criteria: CeGaT Center For Human Genetics Tuebingen Variant Classification Criteria Version 2. Collection method: clinical testing. Allele origin: germline. Affected: yes. Observed: 9 variant alleles.
Comment: MAPRE2: BS1

Department of Pathology and Laboratory Medicine, Sinai Health System
Classification: Uncertain significance for Skin creases, congenital symmetric circumferential, 2. Last evaluated: 2022-05-05. Review status: criteria provided, single submitter. Criteria: ACMG Guidelines, 2015. Collection method: research. Allele origin: germline.

NC_000018.10:g.34978519_34978522del

Genes: MAPRE2 (microtubule associated protein RP/EB family member 2; plus strand), LOC126862725 (P300/CBP strongly-dependent group 1 enhancer GRCh37_chr18:32558231-32559430; plus strand). Cytogenetic location: 18q12.1.
Variant type: Deletion.
Molecular consequence: frameshift variant, initiator codon variant (on NM_001143827.3). On other transcripts: intron variant (1).
Genome position: GRCh38 VCF-style: chr18-34978515-GGAAT-G. GRCh37 (hg19) VCF-style: chr18-32558479-GGAAT-G.
Other names: c.2_5del, p.Met1fs (NM_001143827.3); c.-70+1440_-70+1443del (NM_001143826.3); short protein forms M1fs.
Identifiers: ClinVar variation 2672722 (VCV002672722.22), dbSNP rs534772399, ClinGen allele CA8936023.